The following is an entry in ClinVar:

ClinVar aggregate classification (germline): Uncertain significance (1 of 4 stars; one submission).

Submission:

Labcorp Genetics (formerly Invitae), Labcorp
Classification: Uncertain significance. Last evaluated: 2022-03-02. Review status: criteria provided, single submitter. Criteria: Invitae Variant Classification Sherloc (09022015). Collection method: clinical testing. Allele origin: germline.
Comment: In summary, the available evidence is currently insufficient to determine the role of this variant in disease. Therefore, it has been classified as a Variant of Uncertain Significance. This variant has not been reported in the literature in individuals affected with OPN1SW-related conditions. A copy number gain of the genomic region encompassing the full coding sequence of the OPN1SW gene has been identified. The boundaries of this event are unknown as they extend beyond the assayed region for this gene and therefore may encompass additional genes. As the precise location of this event is unknown, it may be in tandem or it may be located elsewhere in the genome.

NC_000007.13:g.(?_128388409)_(128415844_?)dup

Genes: CALU (calumenin; plus strand), OPN1SW (opsin 1, short wave sensitive; minus strand). Cytogenetic location: 7q32.1.
Variant type: Duplication.
Identifiers: ClinVar variation 1410470 (VCV001410470.5).